The following is an entry in ClinVar:

ClinVar aggregate classification (germline): Uncertain significance (1 of 4 stars; one submission).

Submission:

GeneDx
Classification: Uncertain significance. Last evaluated: 2024-09-19. Review status: criteria provided, single submitter. Criteria: GeneDx Variant Classification Process June 2021. Collection method: clinical testing. Allele origin: germline. Affected: yes.
Comment: In silico analysis supports that this missense variant has a deleterious effect on protein structure/function; Not observed at significant frequency in large population cohorts (gnomAD); Has not been previously published as pathogenic or benign to our knowledge

NM_002911.4(UPF1):c.2702G>A (p.Gly901Glu)

Gene: UPF1 (UPF1 RNA helicase and ATPase; plus strand). Cytogenetic location: 19p13.11.
Variant type: single nucleotide variant.
Coding change: c.2702G>A on transcript NM_002911.4 (MANE Select); coding-DNA position 2702, G replaced by A.
Protein change: p.Gly901Glu; replaces glycine 901 with glutamic acid.
Molecular consequence: missense variant.
Genome position (GRCh38, 1-based): chr19:18,863,539, G>A. VCF-style: chr19-18863539-G-A. GRCh37 (hg19) VCF-style: chr19-18974348-G-A.
Other names: c.2735G>A, p.Gly912Glu (NM_001297549.2); short protein forms G901E, G912E.
Identifiers: ClinVar variation 3774250 (VCV003774250.1).